The following is an entry in ClinVar:

ClinVar aggregate classification (germline): Uncertain significance. Review status: criteria provided, multiple submitters, no conflicts (2 of 4 stars). 2 submissions from 2 submitters: Uncertain significance (2). Last evaluated 2025-05-23.

Allele frequency attached by ClinVar (database versions not stated): TOPMed 0.00001; gnomAD 0.00003; ExAC 0.00014; 1000 Genomes Project 30x 0.00031; 1000 Genomes Project 0.00040.
gnomAD v4.1: 123 of 1,611,596 alleles (0.0076%); highest among the groups gnomAD compares: South Asian, 0.13%; 1 homozygote.

Submissions (2):

Ambry Genetics
Classification: Uncertain significance. Last evaluated: 2025-05-23. Review status: criteria provided, single submitter. Criteria: Ambry Variant Classification Scheme 2023. Collection method: clinical testing. Allele origin: germline.

Labcorp Genetics (formerly Invitae), Labcorp
Classification: Uncertain significance. Last evaluated: 2025-05-18. Review status: criteria provided, single submitter. Criteria: Invitae Variant Classification Sherloc (09022015). Collection method: clinical testing. Allele origin: germline.
Comment: This sequence change replaces histidine, which is basic and polar, with leucine, which is neutral and non-polar, at codon 760 of the DIAPH3 protein (p.His760Leu). This variant is present in population databases (rs554657389, gnomAD 0.1%), and has an allele count higher than expected for a pathogenic variant. This variant has not been reported in the literature in individuals affected with DIAPH3-related conditions. ClinVar contains an entry for this variant (Variation ID: 2308072). An algorithm developed to predict the effect of missense changes on protein structure and function (PolyPhen-2) suggests that this variant is likely to be disruptive. In summary, the available evidence is currently insufficient to determine the role of this variant in disease. Therefore, it has been classified as a Variant of Uncertain Significance.

NM_001042517.2(DIAPH3):c.2279A>T (p.His760Leu)

Gene: DIAPH3 (diaphanous related formin 3; minus strand). Cytogenetic location: 13q21.2.
Variant type: single nucleotide variant.
Coding change: c.2279A>T on transcript NM_001042517.2 (MANE Select); coding-DNA position 2279, A replaced by T.
Protein change: p.His760Leu; replaces histidine 760 with leucine.
Molecular consequence: missense variant.
Genome position (GRCh38, 1-based): chr13:59,911,823, T>A on the plus strand (A>T on the coding strand, the complement: DIAPH3 is on the minus strand). VCF-style: chr13-59911823-T-A. GRCh37 (hg19) VCF-style: chr13-60485957-T-A.
Other names: c.2246A>T, p.His749Leu (NM_001258366.2); c.2141A>T, p.His714Leu (NM_001258367.2); c.2069A>T, p.His690Leu (NM_001258368.2); c.2279A>T, p.His760Leu (NM_001258369.2); c.1490A>T, p.His497Leu (NM_001258370.2, NM_030932.4); short protein forms H497L, H749L, H760L, H690L, H714L.
Identifiers: ClinVar variation 2308072 (VCV002308072.4), dbSNP rs554657389, ClinGen allele CA6996419.